The following is an entry in ClinVar:

ClinVar aggregate classification (germline): Uncertain significance. Review status: criteria provided, multiple submitters, no conflicts (2 of 4 stars). 2 submissions from 2 submitters: Uncertain significance (2). Last evaluated 2026-02-28.

Conditions:
POLD1-related polyposis and colorectal cancer syndrome (CRCS10). Also called: Colorectal cancer 10; COLORECTAL CANCER, SUSCEPTIBILITY TO, ON CHROMOSOME 19q; Colorectal cancer, susceptibility to, 10. Identifiers: Orphanet 220460, MedGen C2675481, MONDO:0012953, OMIM 612591.
Hereditary cancer-predisposing syndrome. Also called: Neoplastic Syndromes, Hereditary; Tumor predisposition; Hereditary Cancer Syndrome; Hereditary neoplastic syndrome. Identifiers: Orphanet 140162, MedGen C0027672, MeSH D009386, MONDO:0015356.

Submissions (2):

Ambry Genetics
Classification: Uncertain significance for Hereditary cancer-predisposing syndrome. Last evaluated: 2026-02-28. Review status: criteria provided, single submitter. Criteria: Ambry Variant Classification Scheme 2023. Collection method: clinical testing. Allele origin: germline.
Comment: The p.L543I variant (also known as c.1627C>A), located in coding exon 12 of the POLD1 gene, results from a C to A substitution at nucleotide position 1627. The leucine at codon 543 is replaced by isoleucine, an amino acid with highly similar properties. This amino acid position is conserved. In addition, this alteration is predicted to be tolerated by in silico analysis. Based on the available evidence, the clinical significance of this variant remains unclear.

Labcorp Genetics (formerly Invitae), Labcorp
Classification: Uncertain significance for POLD1-related polyposis and colorectal cancer syndrome. Last evaluated: 2023-10-29. Review status: criteria provided, single submitter. Criteria: Invitae Variant Classification Sherloc (09022015). Collection method: clinical testing. Allele origin: germline.
Comment: This sequence change replaces leucine, which is neutral and non-polar, with isoleucine, which is neutral and non-polar, at codon 543 of the POLD1 protein (p.Leu543Ile). This variant is not present in population databases (gnomAD no frequency). This variant has not been reported in the literature in individuals affected with POLD1-related conditions. ClinVar contains an entry for this variant (Variation ID: 1439326). Advanced modeling of protein sequence and biophysical properties (such as structural, functional, and spatial information, amino acid conservation, physicochemical variation, residue mobility, and thermodynamic stability) performed at Invitae indicates that this missense variant is not expected to disrupt POLD1 protein function with a negative predictive value of 80%. In summary, the available evidence is currently insufficient to determine the role of this variant in disease. Therefore, it has been classified as a Variant of Uncertain Significance.

NM_002691.4(POLD1):c.1627C>A (p.Leu543Ile)

Gene: POLD1 (DNA polymerase delta 1, catalytic subunit; plus strand). Cytogenetic location: 19q13.33.
Variant type: single nucleotide variant.
Coding change: c.1627C>A on transcript NM_002691.4 (MANE Select); coding-DNA position 1627, C replaced by A.
Protein change: p.Leu543Ile; replaces leucine 543 with isoleucine.
Molecular consequence: missense variant. On other transcripts: non-coding transcript variant (1).
Genome position (GRCh38, 1-based): chr19:50,407,115, C>A. VCF-style: chr19-50407115-C-A. GRCh37 (hg19) VCF-style: chr19-50910372-C-A.
Other names: c.1627C>A, p.Leu543Ile (NM_001256849.1, NM_001308632.1); c.1627C>A (NM_002691.2); short protein forms L543I.
Identifiers: ClinVar variation 1439326 (VCV001439326.7), dbSNP rs2122339151, ClinGen allele CA406981000.